The following is an entry in ClinVar:

NC_000017.11:g.31229835del

Gene: NF1 (neurofibromin 1; plus strand). Cytogenetic location: 17q11.2.
Variant type: Deletion.
Genome position: GRCh38 VCF-style: chr17-31229833-AG-A. GRCh37 (hg19) VCF-style: chr17-29556851-AG-A.
Identifiers: ClinVar variation 4735889 (VCV004735889.1).
Genomic context (GRCh38, chr17:31,229,833, plus strand): 5'-TCTAGGGGGTCTGTCTTCTGGGCATTGATGGCAAATCATTAATGTATTTGTTCTTTCTTT[AG>A]GTTTTATTGACTGATACCAATACTCAATTTGTAGAACAAACCATAGCTATAATGAAGAAC-3'

ClinVar aggregate classification (germline): Pathogenic (1 of 4 stars; one submission).

Conditions:
Neurofibromatosis, type 1 (NF1). Also called: VON RECKLINGHAUSEN DISEASE; Peripheral type neurofibromatosis; NEUROFIBROMATOSIS, TYPE I, SOMATIC; Neurofibromatosis, type I. Identifiers: Orphanet 636, MedGen C0027831, MONDO:0018975, OMIM 162200. Disease mechanism: loss of function.

Submission:

Labcorp Genetics (formerly Invitae), Labcorp
Classification: Pathogenic for Neurofibromatosis, type 1. Last evaluated: 2026-01-21. Review status: criteria provided, single submitter. Criteria: Invitae Variant Classification Sherloc (09022015). Collection method: clinical testing. Allele origin: germline.
Comment: This sequence change creates a premature translational stop signal (p.Val951Phefs*3) in the NF1 gene. It is expected to result in an absent or disrupted protein product. Loss-of-function variants in NF1 are known to be pathogenic (PMID: 10712197, 23913538). This variant is not present in population databases (gnomAD no frequency). This variant has not been reported in the literature in individuals affected with NF1-related conditions. Algorithms developed to predict the effect of sequence changes on RNA splicing suggest that this variant may disrupt the consensus splice site. For these reasons, this variant has been classified as Pathogenic.

Literature cited by the submitters: PubMed 10712197; PubMed 23913538.